The following is an entry in ClinVar:

NM_152703.5(SAMD9L):c.3145G>C (p.Asp1049His)

Gene: SAMD9L (sterile alpha motif domain containing 9 like; minus strand). Cytogenetic location: 7q21.2.
Variant type: single nucleotide variant.
Coding change: c.3145G>C on transcript NM_152703.5 (MANE Select); coding-DNA position 3145, G replaced by C.
Protein change: p.Asp1049His; replaces aspartic acid 1049 with histidine.
Molecular consequence: missense variant.
Genome position (GRCh38, 1-based): chr7:93,132,827, C>G on the plus strand (G>C on the coding strand, the complement: SAMD9L is on the minus strand). VCF-style: chr7-93132827-C-G. GRCh37 (hg19) VCF-style: chr7-92762140-C-G.
Other names: c.3145G>C, p.Asp1049His (NM_001303496.3, NM_001303497.3, NM_001303498.3 and 5 more transcripts); short protein forms D1049H.
Identifiers: ClinVar variation 2132328 (VCV002132328.4), dbSNP rs2535414882, ClinGen allele CA368184572.
Genomic context (GRCh38, chr7:93,132,827, plus strand): 5'-TTTCAATGTCTTTATTCTGTAAAGCTTCCATTAATGGGGAAAACAGAGTGTCTGTTTCAT[C>G]TCCATACACCTTGCGCTGTCTTGTAAGCAGAAGAGTTTGAACATCATGTTGAAATTTGTC-3'
Protein context (NP_689916.2, residues 1039-1059): LLTRQRKVYG[Asp1049His]ETDTLFSPLM

ClinVar aggregate classification (germline): Uncertain significance (1 of 4 stars; one submission).

Submission:

Labcorp Genetics (formerly Invitae), Labcorp
Classification: Uncertain significance. Last evaluated: 2022-04-30. Review status: criteria provided, single submitter. Criteria: Invitae Variant Classification Sherloc (09022015). Collection method: clinical testing. Allele origin: germline.
Comment: This variant has not been reported in the literature in individuals affected with SAMD9L-related conditions. This variant is not present in population databases (gnomAD no frequency). This sequence change replaces aspartic acid, which is acidic and polar, with histidine, which is basic and polar, at codon 1049 of the SAMD9L protein (p.Asp1049His). In summary, the available evidence is currently insufficient to determine the role of this variant in disease. Therefore, it has been classified as a Variant of Uncertain Significance. Algorithms developed to predict the effect of missense changes on protein structure and function are either unavailable or do not agree on the potential impact of this missense change (SIFT: "Not Available"; PolyPhen-2: "Benign"; Align-GVGD: "Not Available").